The following is an entry in ClinVar:

ClinVar aggregate classification (germline): Benign. Review status: reviewed by expert panel (3 of 4 stars). 6 submissions from 6 submitters: Benign (1). 5 of the submissions do not count toward it. Last evaluated 2024-07-29.

Conditions:
FOXN1-related disorder. Also called: FOXN1-related condition.
T-cell immunodeficiency, congenital alopecia, and nail dystrophy. Also called: Congenital alopecia and nail dystrophy associated with severe functional T-cell immunodeficiency; Pignata Guarino syndrome. Identifiers: Orphanet 169095, MedGen C1866426, MONDO:0011132, OMIM 601705.

Allele frequency attached by ClinVar (database versions not stated): gnomAD exomes 0.00017 and 0.00054; ExAC 0.00067; 1000 Genomes Project 0.00180; gnomAD 0.00184 and 0.00197; 1000 Genomes Project 30x 0.00187; TOPMed 0.00223; ESP Exome Variant Server 0.00277.
gnomAD v4.1: 537 of 1,609,614 alleles (0.033%); highest among the groups gnomAD compares: African/African-American, 0.64%; 2 homozygotes.

Submissions (6):

ClinGen Severe Combined Immunodeficiency Variant Curation Expert Panel, ClinGen
Classification: Benign for T-cell immunodeficiency, congenital alopecia, and nail dystrophy. Last evaluated: 2024-07-29. Review status: reviewed by expert panel. Criteria: ClinGen SCID ACMG Specifications FOXN1 V1.0.0. Collection method: curation. Allele origin: germline. Inheritance: Semidominant inheritance.
Comment: The variant NM_001369369.1(FOXN1):c.1556T>A is predicted to cause a leucine to glutamine substitution at amino acid position 519. The variant has a Grpmax allele frequency of 0.005940 based upon the gonmADv4.0 African American subpopulation, which is greater than 0.00447 and thus meets BA1 criteria. The meta predictor Revel predicts a score of 0.6, which is less than 0.644 and greater than 0.290, which does not meet BP4 or PP3 criteria. The variant was found in the heterozygous state in P6 from PMID:27484032 who displayed phenotypes such as low TRECs on NBS, severe T cell lymphopenia, and was sequenced via NGS for 46 PIDD genes. Notably this patient did not display phenotypes such as alopecia or nail dystrophy. This patient also carried a pathogenic variant p.Arg320Trp in the heterozygous state, with unknown phasing. In summary this variant meets criteria to be classified as benign for semidominant cell immunodeficiency, congenital alopecia, and nail dystrophy due to FOXN1 deficiency based on the ACMG/AMP criteria applied: BA1 as specified by the ClinGen SCID VCEP FOXN1 subgroup.

Labcorp Genetics (formerly Invitae), Labcorp
Classification: Likely benign for T-cell immunodeficiency, congenital alopecia, and nail dystrophy. Last evaluated: 2026-02-01. Review status: criteria provided, single submitter. Criteria: Invitae Variant Classification Sherloc (09022015). Collection method: clinical testing. Allele origin: germline. Not counted in ClinVar's aggregate classification.

Blueprint Genetics
Classification: Benign. Last evaluated: 2024-08-15. Review status: criteria provided, single submitter. Criteria: ACMG Guidelines, 2015. Collection method: clinical testing. Allele origin: germline. Not counted in ClinVar's aggregate classification.

Illumina Laboratory Services, Illumina
Classification: Likely benign for T-cell immunodeficiency, congenital alopecia, and nail dystrophy. Last evaluated: 2018-01-13. Review status: criteria provided, single submitter. Criteria: ICSL Variant Classification Criteria 13 December 2019. Collection method: clinical testing. Allele origin: germline. Not counted in ClinVar's aggregate classification.
Comment: This variant was observed in the ICSL laboratory as part of a predisposition screen in an ostensibly healthy population. It had not been previously curated by ICSL or reported in the Human Gene Mutation Database (HGMD: prior to June 1st, 2018), and was therefore a candidate for classification through an automated scoring system. Utilizing variant allele frequency, disease prevalence and penetrance estimates, and inheritance mode, an automated score was calculated to assess if this variant is too frequent to cause the disease. Based on the score and internal cut-off values, a variant classified as likely benign is not then subjected to further curation. The score for this variant resulted in a classification of likely benign for this disease.

GeneDx
Classification: Uncertain significance. Last evaluated: 2017-06-29. Review status: criteria provided, single submitter. Criteria: GeneDx Variant Classification (06012015). Collection method: clinical testing. Allele origin: germline. Affected: yes. Not counted in ClinVar's aggregate classification.
Comment: The L519Q variant has been published previously in association with immune deficiency; however, the authors note the patient did not present with the cutaneous abnormalities expected in FOXN1 deficiency (Yu et al., 2016). The variant is observed in 74/10224 (0.724%) alleles in the ExAC dataset (Lek et al., 2016). L519Q is a non-conservative amino acid substitution, which is likely to impact secondary protein structure as these residues differ in polarity, charge, size and/or other properties. This substitution occurs at a position where amino acids with similar properties to Leucine are tolerated across species. In silico analysis is inconsistent in its predictions as to whether or not the variant is damaging to the protein structure/function. In summary, based on the currently available information, it is unclear whether this variant is a pathogenic variant or a rare benign variant.

PreventionGenetics, part of Exact Sciences
Classification: Likely benign for FOXN1-related condition. Last evaluated: 2024-06-07. Review status: no assertion criteria provided. Collection method: clinical testing. Allele origin: germline. Not counted in ClinVar's aggregate classification.
Comment: This variant is classified as likely benign based on ACMG/AMP sequence variant interpretation guidelines (Richards et al. 2015 PMID: 25741868, with internal and published modifications).

NM_001369369.1(FOXN1):c.1556T>A (p.Leu519Gln)

Gene: FOXN1 (forkhead box N1; plus strand). Cytogenetic location: 17q11.2.
Variant type: single nucleotide variant.
Coding change: c.1556T>A on transcript NM_001369369.1 (MANE Select); coding-DNA position 1556, T replaced by A.
Protein change: p.Leu519Gln; replaces leucine 519 with glutamine.
Molecular consequence: missense variant.
Genome position (GRCh38, 1-based): chr17:28,535,127, T>A. VCF-style: chr17-28535127-T-A. GRCh37 (hg19) VCF-style: chr17-26862145-T-A.
Other names: NM_001369369.1(FOXN1):c.1556T>A; p.Leu519Gln; c.1556T>A, p.Leu519Gln (NM_003593.3); short protein forms L519Q.
Identifiers: ClinVar variation 322433 (VCV000322433.18), dbSNP rs34814444, ClinGen allele CA8459559.
Genomic context (GRCh38, chr17:28,535,127, plus strand): 5'-CCAGCCACAGTGCCAAGCTACTGGCCGAGCCTTCCCCAGCCAGGACTATGCACGACACCC[T>A]GCTGCCAGATGGAGACCTTGGCACTGACCTGGATGCCATCAATCCCTCACTCACTGACTT-3'
Protein context (NP_001356298.1, residues 509-529): PSPARTMHDT[Leu519Gln]LPDGDLGTDL